The following is an entry in ClinVar:

NM_001164508.2(NEB):c.9721G>T (p.Glu3241Ter)

Gene: NEB (nebulin; minus strand). Cytogenetic location: 2q23.3.
Variant type: single nucleotide variant.
Coding change: c.9721G>T on transcript NM_001164508.2 (MANE Select); coding-DNA position 9721, G replaced by T.
Protein change: p.Glu3241Ter; replaces glutamic acid 3241 with a stop codon.
Molecular consequence: nonsense.
Genome position (GRCh38, 1-based): chr2:151,630,717, C>A on the plus strand (G>T on the coding strand, the complement: NEB is on the minus strand). VCF-style: chr2-151630717-C-A. GRCh37 (hg19) VCF-style: chr2-152487231-C-A.
Other names: c.9721G>T, p.Glu3241Ter (NM_001164507.2, NM_001271208.2); c.8992G>T, p.Glu2998Ter (NM_004543.5); short protein forms E2998*, E3241*.
Identifiers: ClinVar variation 1725333 (VCV001725333.2), dbSNP rs2552237971, ClinGen allele CA348798633.

ClinVar aggregate classification (germline): Likely pathogenic (1 of 4 stars; one submission).

Conditions:
Nemaline myopathy 2 (NEM2). Also called: Nemaline myopathy 2, autosomal recessive. Identifiers: MedGen C1850569, MONDO:0009725, OMIM 256030.

Submission:

Myriad Genetics, Inc.
Classification: Likely pathogenic for Nemaline myopathy 2. Last evaluated: 2022-03-17. Review status: criteria provided, single submitter. Criteria: Myriad Women's Health Autosomal Recessive and X-Linked Classification Criteria (2021). Collection method: clinical testing. Allele origin: unknown.
Comment: NM_001271208.1(NEB):c.9721G>T(E3241*) is expected to be pathogenic in the context of NEB-related nemaline myopathy. This variant is predicted to lead to an abnormal or absent protein product due to the creation of a premature termination codon in NEB, a gene where loss-of-function variants are known to be pathogenic. Please note: this variant was assessed in the context of healthy population screening.